The following is an entry in ClinVar:

ClinVar aggregate classification (germline): Uncertain significance (1 of 4 stars; one submission).

gnomAD v4.1: 10 of 1,610,928 alleles (0.00062%); highest among the groups gnomAD compares: East Asian, 0.0045%; no homozygotes.

Submission:

GeneDx
Classification: Uncertain significance. Last evaluated: 2026-04-08. Review status: criteria provided, single submitter. Criteria: GeneDx Variant Classification Process June 2021. Collection method: clinical testing. Allele origin: germline.
Comment: Not observed at significant frequency in large population cohorts (gnomAD); In silico analysis suggests that this missense variant does not alter protein structure/function; Has not been previously published as pathogenic or benign to our knowledge

NM_006514.4(SCN10A):c.2908A>T (p.Ser970Cys)

Genes: SCN10A (sodium voltage-gated channel alpha subunit 10; minus strand), LOC110121288 (VISTA enhancer hs2268; plus strand). Cytogenetic location: 3p22.2.
Variant type: single nucleotide variant.
Coding change: c.2908A>T on transcript NM_006514.4 (MANE Select); coding-DNA position 2908, A replaced by T.
Protein change: p.Ser970Cys; replaces serine 970 with cysteine.
Molecular consequence: missense variant.
Genome position (GRCh38, 1-based): chr3:38,726,785, T>A on the plus strand (A>T on the coding strand, the complement: SCN10A is on the minus strand). VCF-style: chr3-38726785-T-A. GRCh37 (hg19) VCF-style: chr3-38768276-T-A.
Other names: c.2908A>T, p.Ser970Cys (NM_001293306.2); c.2614A>T, p.Ser872Cys (NM_001293307.2); short protein forms S872C, S970C.
Identifiers: ClinVar variation 5018366 (VCV005018366.1).